The following is an entry in ClinVar:

NM_000303.3(PMM2):c.*10G>A

Gene: PMM2 (phosphomannomutase 2; plus strand). Cytogenetic location: 16p13.2.
Variant type: single nucleotide variant.
Coding change: c.*10G>A on transcript NM_000303.3 (MANE Select); 10 bases downstream of the stop codon, G replaced by A.
Molecular consequence: 3 prime UTR variant.
Genome position (GRCh38, 1-based): chr16:8,847,835, G>A. VCF-style: chr16-8847835-G-A. GRCh37 (hg19) VCF-style: chr16-8941692-G-A.
Identifiers: ClinVar variation 321222 (VCV000321222.12), dbSNP rs200930493, ClinGen allele CA7894227.

ClinVar aggregate classification (germline): Conflicting classifications of pathogenicity. Review status: criteria provided, conflicting classifications (1 of 4 stars). 6 submissions from 6 submitters: Uncertain significance (2); Likely benign (2). 2 of the submissions do not count toward it. Last evaluated 2024-11-08.

Conditions:
PMM2-related disorder. Also called: PMM2-related condition.
PMM2-congenital disorder of glycosylation. Also called: CDG Ia; PMM2-CDG; JAEKEN SYNDROME; PHOSPHOMANNOMUTASE 2 DEFICIENCY; CARBOHYDRATE-DEFICIENT GLYCOPROTEIN SYNDROME, TYPE Ia; Congenital disorder of glycosylation, type Ia. Identifiers: Orphanet 79318, MedGen C0349653, MONDO:0008907, OMIM 212065.

Allele frequency attached by ClinVar (database versions not stated): gnomAD 0.00015 and 0.00017; 1000 Genomes Project 30x 0.00016; 1000 Genomes Project 0.00020; ExAC 0.00023; TOPMed 0.00024; gnomAD exomes 0.00025; ESP Exome Variant Server 0.00031.
gnomAD v4.1: 297 of 1,596,962 alleles (0.019%); highest among the groups gnomAD compares: Middle Eastern, 0.73%; 1 homozygote.

Submissions (6):

Blueprint Genetics
Classification: Likely benign. Last evaluated: 2024-11-08. Review status: criteria provided, single submitter. Criteria: ACMG Guidelines, 2015. Collection method: clinical testing. Allele origin: germline.

Genetic Services Laboratory, University of Chicago
Classification: Uncertain significance. Last evaluated: 2018-08-24. Review status: criteria provided, single submitter. Criteria: ACMG Guidelines, 2015. Collection method: clinical testing. Allele origin: germline. Affected: no.

Illumina Laboratory Services, Illumina
Classification: Uncertain significance for PMM2-congenital disorder of glycosylation. Last evaluated: 2018-01-12. Review status: criteria provided, single submitter. Criteria: ICSL Variant Classification Criteria 13 December 2019. Collection method: clinical testing. Allele origin: germline.

GeneDx
Classification: Likely benign. Last evaluated: 2017-06-07. Review status: criteria provided, single submitter. Criteria: GeneDx Variant Classification (06012015). Collection method: clinical testing. Allele origin: germline. Affected: yes.
Comment: This variant is considered likely benign or benign based on one or more of the following criteria: it is a conservative change, it occurs at a poorly conserved position in the protein, it is predicted to be benign by multiple in silico algorithms, and/or has population frequency not consistent with disease.

PreventionGenetics, part of Exact Sciences
Classification: Likely benign for PMM2-related condition. Last evaluated: 2024-03-27. Review status: no assertion criteria provided. Collection method: clinical testing. Allele origin: germline. Not counted in ClinVar's aggregate classification.
Comment: This variant is classified as likely benign based on ACMG/AMP sequence variant interpretation guidelines (Richards et al. 2015 PMID: 25741868, with internal and published modifications).

Natera, Inc.
Classification: Uncertain significance for Congenital disorder of glycosylation type 1a. Last evaluated: 2020-04-17. Review status: no assertion criteria provided. Collection method: clinical testing. Allele origin: germline. Not counted in ClinVar's aggregate classification.